The following is an entry in ClinVar:

NM_000435.3(NOTCH3):c.650A>G (p.Asp217Gly)

Gene: NOTCH3 (notch receptor 3; minus strand). Cytogenetic location: 19p13.12.
Variant type: single nucleotide variant.
Coding change: c.650A>G on transcript NM_000435.3 (MANE Select); coding-DNA position 650, A replaced by G.
Protein change: p.Asp217Gly; replaces aspartic acid 217 with glycine.
Molecular consequence: missense variant.
Genome position (GRCh38, 1-based): chr19:15,191,989, T>C on the plus strand (A>G on the coding strand, the complement: NOTCH3 is on the minus strand). VCF-style: chr19-15191989-T-C. GRCh37 (hg19) VCF-style: chr19-15302800-T-C.
Other names: short protein forms D217G.
Identifiers: ClinVar variation 3383517 (VCV003383517.2).

ClinVar aggregate classification (germline): Uncertain significance. Review status: criteria provided, multiple submitters, no conflicts (2 of 4 stars). 2 submissions from 2 submitters: Uncertain significance (2). Last evaluated 2025-02-01.

Conditions:
Inborn genetic diseases. Identifiers: MedGen C0950123, MeSH D030342.

gnomAD v4.1: 25 of 1,613,252 alleles (0.0015%); highest among the groups gnomAD compares: Non-Finnish European, 0.0019%; no homozygotes.

Submissions (2):

Ambry Genetics
Classification: Uncertain significance for Inborn genetic diseases. Last evaluated: 2025-02-01. Review status: criteria provided, single submitter. Criteria: Ambry Variant Classification Scheme 2023. Collection method: clinical testing. Allele origin: germline.

GeneDx
Classification: Uncertain significance. Last evaluated: 2024-05-28. Review status: criteria provided, single submitter. Criteria: GeneDx Variant Classification Process June 2021. Collection method: clinical testing. Allele origin: germline. Affected: yes.
Comment: In silico analysis supports that this missense variant has a deleterious effect on protein structure/function; Has not been previously published as pathogenic or benign to our knowledge